The following is an entry in ClinVar:

NM_000275.3(OCA2):c.1465A>G (p.Asn489Asp)

Gene: OCA2 (OCA2 melanosomal transmembrane protein; minus strand). Cytogenetic location: 15q13.1.
Variant type: single nucleotide variant.
Coding change: c.1465A>G on transcript NM_000275.3 (MANE Select); coding-DNA position 1465, A replaced by G.
Protein change: p.Asn489Asp; replaces asparagine 489 with aspartic acid.
Molecular consequence: missense variant.
Genome position (GRCh38, 1-based): chr15:27,983,383, T>C on the plus strand (A>G on the coding strand, the complement: OCA2 is on the minus strand). VCF-style: chr15-27983383-T-C. GRCh37 (hg19) VCF-style: chr15-28228529-T-C.
Other names: p.(Asn489Asp); c.1393A>G, p.Asn465Asp (NM_001300984.2); short protein forms N489D, N465D.
Identifiers: ClinVar variation 961 (VCV000000961.85), dbSNP rs121918170, ClinGen allele CA251640.
Genomic context (GRCh38, chr15:27,983,383, plus strand): 5'-ACCCTAGCATGCTGGTACGTACCATCTTCCTCAGCTCTTGGTTGGAAACAATAATGACAT[T>C]TGGAGGGTCCCCGATGGCAGTGGCAGCTCCTCCAATGTTTGTGAAGATCACTTCTGCAAT-3'
Protein context (NP_000266.2, residues 479-499): GAATAIGDPP[Asn489Asp]VIIVSNQELR

ClinVar aggregate classification (germline): Pathogenic/Likely pathogenic. Review status: criteria provided, multiple submitters, no conflicts (2 of 4 stars). 22 submissions from 22 submitters: Pathogenic (13); Likely pathogenic (1). 8 of the submissions do not count toward it. Last evaluated 2026-01-25.

Conditions:
OCA2-related disorder. Also called: OCA2-related condition.
Oculocutaneous albinism. Identifiers: Orphanet 55, MedGen C0078918, MONDO:0018910.
Tyrosinase-positive oculocutaneous albinism (OCA2). Also called: ALBINISM II; Albinism, oculocutaneous, type II; Oculocutaneous albinism type 2. Identifiers: Orphanet 79432, MedGen C0268495, MONDO:0008746, OMIM 203200.
SKIN/HAIR/EYE PIGMENTATION 1, BLUE/NONBLUE EYES (SHEP1). Also called: HAIR COLOR 3; BROWN EYE COLOR 2; SKIN/HAIR/EYE PIGMENTATION 1, BLOND/BROWN HAIR; SKIN/HAIR/EYE PIGMENTATION 1, BLUE/BROWN EYES; EYE COLOR 3; EYE COLOR, BLUE/NONBLUE. Identifiers: MedGen C1856895, OMIM 227220.

Allele frequency attached by ClinVar (database versions not stated): gnomAD exomes 0.00035 and 0.00071; gnomAD 0.00043 and 0.00040; TOPMed 0.00045; ExAC 0.00031.
gnomAD v4.1: 1,087 of 1,614,036 alleles (0.067%); highest among the groups gnomAD compares: Non-Finnish European, 0.088%; 2 homozygotes.

Submissions (22):

Labcorp Genetics (formerly Invitae), Labcorp
Classification: Pathogenic. Last evaluated: 2026-01-25. Review status: criteria provided, single submitter. Criteria: Invitae Variant Classification Sherloc (09022015). Collection method: clinical testing. Allele origin: germline.
Comment: This sequence change replaces asparagine, which is neutral and polar, with aspartic acid, which is acidic and polar, at codon 489 of the OCA2 protein (p.Asn489Asp). This variant is present in population databases (rs121918170, gnomAD 0.07%). This missense change has been observed in individual(s) with oculocutaneous albinism (PMID: 12876664, 18463683, 29345414). In at least one individual the data is consistent with being in trans (on the opposite chromosome) from a pathogenic variant. ClinVar contains an entry for this variant (Variation ID: 961). Invitae Evidence Modeling of protein sequence and biophysical properties (such as structural, functional, and spatial information, amino acid conservation, physicochemical variation, residue mobility, and thermodynamic stability) indicates that this missense variant is expected to disrupt OCA2 protein function with a positive predictive value of 80%. Experimental studies are conflicting or provide insufficient evidence to determine the effect of this variant on OCA2 function (PMID: 25513726). For these reasons, this variant has been classified as Pathogenic.

CeGaT Center for Human Genetics Tuebingen
Classification: Pathogenic. Last evaluated: 2026-01-01. Review status: criteria provided, single submitter. Criteria: CeGaT Center For Human Genetics Tuebingen Variant Classification Criteria Version 2. Collection method: clinical testing. Allele origin: germline. Affected: yes. Observed: 6 variant alleles.
Comment: OCA2: PM3:Very Strong, PM2, PP3, PP4

Variantyx, Inc.
Classification: Pathogenic for Tyrosinase-positive oculocutaneous albinism. Last evaluated: 2025-12-11. Review status: criteria provided, single submitter. Criteria: Variantyx Assertion Criteria 2022. Collection method: clinical testing. Allele origin: germline. Inheritance: Autosomal recessive inheritance. Affected: no.
Comment: This is a nonsynonymous variant in the OCA2 gene (OMIM: 611409). Pathogenic variants in this gene have been associated with autosomal recessive oculocutaneous albinism type II. This variant has been identified in the homozygous or compound heterozygous state in several individuals reported in the published literature (PMID: 12876664, 18463683, 19060277, 29345414), (PM3). Multiple computational algorithms predict a deleterious effect for this variant (REVEL score: 0.853) (PP3). This variant has a 0.0880% maximum allele frequency in non-founder control populations (PM2). Based on the current evidence, this variant is classified as pathogenic for autosomal recessive oculocutaneous albinism type II.

GeneDx
Classification: Pathogenic. Last evaluated: 2025-06-30. Review status: criteria provided, single submitter. Criteria: GeneDx Variant Classification Process June 2021. Collection method: clinical testing. Allele origin: germline. Affected: yes.
Comment: In silico analysis supports that this missense variant has a deleterious effect on protein structure/function; This variant is associated with the following publications: (PMID: 13680365, 30665703, 31233279, 9259203, 19060277, 23345203, 25513726, 20801516, 12876664, 18326704, 18463683, 24118800, 21541274, 29345414, 28667292, 30414346, 31206972, 31589614, 38219857, 34758253, 23824587, 34662886, 34361043, 31980526)

Bioscientia Institut fuer Medizinische Diagnostik GmbH, Sonic Healthcare
Classification: Pathogenic for Tyrosinase-positive oculocutaneous albinism. Last evaluated: 2025-04-23. Review status: criteria provided, single submitter. Criteria: ACMG Guidelines, 2015. Collection method: clinical testing. Allele origin: germline. Affected: yes.

Blueprint Genetics
Classification: Pathogenic for OCA2-related disorders. Last evaluated: 2024-11-19. Review status: criteria provided, single submitter. Criteria: ACMG Guidelines, 2015. Collection method: clinical testing. Allele origin: germline. Affected: yes. Observed: 5 variant alleles.

Baylor Genetics
Classification: Pathogenic for SKIN/HAIR/EYE PIGMENTATION 1, BLUE/NONBLUE EYES. Last evaluated: 2024-03-26. Review status: criteria provided, single submitter. Criteria: ACMG Guidelines, 2015. Collection method: clinical testing. Allele origin: unknown.

Women's Health and Genetics/Laboratory Corporation of America, LabCorp
Classification: Pathogenic for Oculocutaneous albinism. Last evaluated: 2023-12-12. Review status: criteria provided, single submitter. Criteria: LabCorp Variant Classification Summary - May 2015. Collection method: clinical testing. Allele origin: germline.
Comment: Variant summary: OCA2 c.1465A>G (p.Asn489Asp) results in a conservative amino acid change located in the Citrate transporter-like domain (IPR004680) of the encoded protein sequence. Four of five in-silico tools predict a damaging effect of the variant on protein function. The variant allele was found at a frequency of 0.00035 in 251496 control chromosomes (gnomAD). This frequency is not significantly higher than estimated for a pathogenic variant in OCA2 causing Oculocutaneous Albinism (0.00035 vs 0.0043), allowing no conclusion about variant significance. c.1465A>G has been reported in the literature in multiple individuals affected with Oculocutaneous Albinism (example: Lasseaux_2018). These data indicate that the variant is very likely to be associated with disease. The following publication has been ascertained in the context of this evaluation (PMID: 29345414). Eleven submitters have cited clinical-significance assessments for this variant to ClinVar after 2014. All submitters classified the variant as pathogenic/likely pathogenic. Based on the evidence outlined above, the variant was classified as pathogenic.

Genome-Nilou Lab
Classification: Pathogenic for Tyrosinase-positive oculocutaneous albinism. Last evaluated: 2021-11-07. Review status: criteria provided, single submitter. Criteria: ACMG Guidelines, 2015. Collection method: clinical testing. Allele origin: germline. Affected: no.

Revvity Omics, Revvity
Classification: Likely pathogenic. Last evaluated: 2021-07-27. Review status: criteria provided, single submitter. Criteria: ACMG Guidelines, 2015. Collection method: clinical testing. Allele origin: germline.

Fulgent Genetics
Classification: Pathogenic for Tyrosinase-positive oculocutaneous albinism; SKIN/HAIR/EYE PIGMENTATION 1, BLUE/NONBLUE EYES. Last evaluated: 2018-10-31. Review status: criteria provided, single submitter. Criteria: ACMG Guidelines, 2015. Collection method: clinical testing. Allele origin: unknown.

Illumina Laboratory Services, Illumina
Classification: Pathogenic for Tyrosinase-positive oculocutaneous albinism. Last evaluated: 2018-10-19. Review status: criteria provided, single submitter. Criteria: ICSL Variant Classification Criteria 09 May 2019. Collection method: clinical testing. Allele origin: germline.
Comment: The TCN2 c.497_498delTC (p.Leu166ProfsTer7) variant results in a frameshift, and is predicted to result in premature termination of the protein. The p.Leu166ProfsTer7 variant has been reported in two studies and is found in a total of four unrelated probands with transcobalamin II deficiency including three in a homozygous state and one in a compound heterozygous state (Schiff et al. 2010; Trakadis et al. 2014). Control data are unavailable for this variant, which is reported at a frequency of 0.00048 in the African population of the Exome Aggregation Consortium. Based on the evidence and the potential impact of frameshift variants, the p.Leu166ProfsTer7 variant is classified as pathogenic for transcobalamin II deficiency. This variant was observed by ICSL as part of a predisposition screen in an ostensibly healthy population.

Eurofins Ntd Llc (ga)
Classification: Pathogenic. Last evaluated: 2017-06-23. Review status: criteria provided, single submitter. Criteria: EGL Classification Definitions 2015. Collection method: clinical testing. Allele origin: germline. Observed: 2 variant alleles, 2 heterozygotes.

Genetic Services Laboratory, University of Chicago
Classification: Pathogenic for Albinism, oculocutaneous, type II. Last evaluated: 2016-10-14. Review status: criteria provided, single submitter. Criteria: ACMG Guidelines, 2015. Collection method: clinical testing. Allele origin: germline. Affected: yes.

PreventionGenetics, part of Exact Sciences
Classification: Pathogenic for OCA2-related condition. Last evaluated: 2024-08-20. Review status: no assertion criteria provided. Collection method: clinical testing. Allele origin: germline. Not counted in ClinVar's aggregate classification.
Comment: The OCA2 c.1465A>G variant is predicted to result in the amino acid substitution p.Asn489Asp. This variant has been reported to be causative for autosomal recessive oculocutaneous albinism (Spritz et al. 1997. PubMed ID: 9259203; King et al. 2003. PubMed ID: 13680365; King et al. 2003. PubMed ID: 12876664; Hutton and Spritz. 2008. PubMed ID: 18326704). This variant is reported in 0.067% of alleles in individuals of European (Non-Finnish) descent in gnomAD. This variant has been reported to be one of three recurrent pathogenic variants in the OCA2 gene and accounts for one of the alleles in ~7% of OCAII cases (Hutton and Spritz. 2008. PubMed ID: 18463683). Given the evidence, we interpret this variant as pathogenic.

Zotz-Klimas Genetics Lab, MVZ Zotz Klimas
Classification: Pathogenic for Tyrosinase-positive oculocutaneous albinism. Last evaluated: 2023-10-30. Review status: no assertion criteria provided. Collection method: clinical testing. Allele origin: germline. Affected: yes. Not counted in ClinVar's aggregate classification.

OMIM
Classification: Pathogenic for ALBINISM, OCULOCUTANEOUS, TYPE II. Last evaluated: 2003-09-01. Review status: no assertion criteria provided. Collection method: literature only. Allele origin: germline. Not counted in ClinVar's aggregate classification.

Clinical Genetics DNA and cytogenetics Diagnostics Lab, Erasmus MC, Erasmus Medical Center
Classification: Pathogenic. Review status: no assertion criteria provided. Collection method: clinical testing. Allele origin: germline. Affected: yes. Study: VKGL Data-share Consensus. Not counted in ClinVar's aggregate classification.

Clinical Genetics, Academic Medical Center
Classification: Pathogenic. Review status: no assertion criteria provided. Collection method: clinical testing. Allele origin: germline. Affected: yes. Study: VKGL Data-share Consensus. Not counted in ClinVar's aggregate classification.

Diagnostic Laboratory, Department of Genetics, University Medical Center Groningen
Classification: Pathogenic. Review status: no assertion criteria provided. Collection method: clinical testing. Allele origin: germline. Affected: yes. Study: VKGL Data-share Consensus. Not counted in ClinVar's aggregate classification.

Genomics England Pilot Project, Genomics England
Classification: Likely pathogenic for Tyrosinase-positive oculocutaneous albinism. Review status: no assertion criteria provided. Criteria: ACGS Guidelines, 2016. Collection method: clinical testing. Allele origin: germline. Affected: yes. Not counted in ClinVar's aggregate classification.

Joint Genome Diagnostic Labs from Nijmegen and Maastricht, Radboudumc and MUMC+
Classification: Likely pathogenic. Review status: no assertion criteria provided. Collection method: clinical testing. Allele origin: germline. Affected: yes. Study: VKGL Data-share Consensus. Not counted in ClinVar's aggregate classification.

Literature cited by the submitters: PubMed 12876664 (cited by 4 submitters); PubMed 18463683 (cited by Labcorp Genetics (formerly Invitae), Labcorp and Variantyx, Inc.); PubMed 29345414 (cited by 3 submitters); PubMed 25513726 (cited by Labcorp Genetics (formerly Invitae), Labcorp); PubMed 19060277 (cited by Variantyx, Inc. and Illumina Laboratory Services, Illumina); PubMed 24845642 (cited by Illumina Laboratory Services, Illumina); PubMed 18326704 (cited by Illumina Laboratory Services, Illumina); PubMed 9259203 (cited by Illumina Laboratory Services, Illumina).